The following is an entry in ClinVar:

ClinVar aggregate classification (germline): Uncertain significance (1 of 4 stars; one submission).

Conditions:
Cardiovascular phenotype. Identifiers: MedGen CN230736.

gnomAD v4.1: 4 of 1,614,144 alleles (0.00025%); highest among the groups gnomAD compares: East Asian, 0.0067%; no homozygotes.

Submission:

Ambry Genetics
Classification: Uncertain significance for Cardiovascular phenotype. Last evaluated: 2026-01-22. Review status: criteria provided, single submitter. Criteria: Ambry Variant Classification Scheme 2023. Collection method: clinical testing. Allele origin: germline.
Comment: The p.P528S variant (also known as c.1582C>T), located in coding exon 12 of the ENG gene, results from a C to T substitution at nucleotide position 1582. The proline at codon 528 is replaced by serine, an amino acid with similar properties. This amino acid position is conserved. In addition, this alteration is predicted to be tolerated by in silico analysis. Based on the available evidence, the clinical significance of this variant remains unclear.

NM_001114753.3(ENG):c.1582C>T (p.Pro528Ser)

Genes: ENG (endoglin; minus strand), LOC102723566 (uncharacterized LOC102723566; plus strand). Cytogenetic location: 9q34.11.
Variant type: single nucleotide variant.
Coding change: c.1582C>T on transcript NM_001114753.3 (MANE Select); coding-DNA position 1582, C replaced by T.
Protein change: p.Pro528Ser; replaces proline 528 with serine.
Molecular consequence: missense variant.
Genome position (GRCh38, 1-based): chr9:127,818,224, G>A on the plus strand (C>T on the coding strand, the complement: ENG is on the minus strand). VCF-style: chr9-127818224-G-A. GRCh37 (hg19) VCF-style: chr9-130580503-G-A.
Other names: c.1582C>T, p.Pro528Ser (NM_000118.4); c.1036C>T, p.Pro346Ser (NM_001278138.2); short protein forms P346S, P528S.
Identifiers: ClinVar variation 4843434 (VCV004843434.1).
Genomic context (GRCh38, chr9:127,818,224, plus strand): 5'-TGAGGGTGCCGGTTTTGGGTATGGGTACTGTGTAGAAGTGGAGGAGGAAGCTGAAGCGCG[G>A]GTCACCCTCGGGGCTTGGGGACAGCAGGCTCACACAGTTGCCCTTGGCCGCCCGGCCCTG-3'
Protein context (NP_001108225.1, residues 518-538): SLLSPSPEGD[Pro528Ser]RFSFLLHFYT